The following is an entry in ClinVar:

NM_001035.3(RYR2):c.10047G>A (p.Ser3349=)

Gene: RYR2 (ryanodine receptor 2; plus strand). Cytogenetic location: 1q43.
Variant type: single nucleotide variant.
Coding change: c.10047G>A on transcript NM_001035.3 (MANE Select); coding-DNA position 10047, G replaced by A.
Protein change: p.Ser3349=; no amino-acid change (serine 3349 retained).
Molecular consequence: synonymous variant.
Genome position (GRCh38, 1-based): chr1:237,709,003, G>A. VCF-style: chr1-237709003-G-A. GRCh37 (hg19) VCF-style: chr1-237872303-G-A.
Identifiers: ClinVar variation 227905 (VCV000227905.24), dbSNP rs144428932, ClinGen allele CA084102.
Genomic context (GRCh38, chr1:237,709,003, plus strand): 5'-GGCAGCTACGGTGGTGTCTGAGGAAGACCACCTGAAAGCTGAGGCCAGGGGGGACATGTC[G>A]GAGGCAGAACTCCTCATCCTAGATGAGTTCACCACACTGGCCAGAGATCTCTATGCCTTC-3'
Protein context (NP_001026.2, residues 3339-3359): HLKAEARGDM[Ser3349=]EAELLILDEF

ClinVar aggregate classification (germline): Likely benign. Review status: criteria provided, multiple submitters, no conflicts (2 of 4 stars). 7 submissions from 7 submitters: Likely benign (6). 1 of the submissions does not count toward it. Last evaluated 2025-12-22.

Conditions:
RYR2-related disorder. Also called: RYR2-related condition.
Catecholaminergic polymorphic ventricular tachycardia (CVPT). Also called: Catecholamine-induced polymorphic ventricular tachycardia. Identifiers: Orphanet 3286, MedGen C5574922, MONDO:0017990.
Cardiovascular phenotype. Identifiers: MedGen CN230736.
Catecholaminergic polymorphic ventricular tachycardia 1. Also called: VENTRICULAR TACHYCARDIA, STRESS-INDUCED POLYMORPHIC 1; VENTRICULAR TACHYCARDIA, CATECHOLAMINERGIC POLYMORPHIC, 1, WITH OR WITHOUT ATRIAL DYSFUNCTION AND/OR DILATED CARDIOMYOPATHY; RYR2-Related Catecholaminergic Polymorphic Ventricular Tachycardia. Identifiers: Orphanet 3286, MedGen C1631597, MONDO:0011484, OMIM 604772.
Cardiomyopathy (CMYO). Also called: Cardiomyopathies. Identifiers: Orphanet 167848, MedGen C0878544, MONDO:0004994, HP:0001638. Inheritance: Various modes of inheritance.

Allele frequency attached by ClinVar (database versions not stated): gnomAD 0.00001 and 0.00002; gnomAD exomes 0.00003 and 0.00006; ExAC 0.00004; TOPMed 0.00005; 1000 Genomes Project 30x 0.00016; 1000 Genomes Project 0.00020.
gnomAD v4.1: 94 of 1,613,484 alleles (0.0058%); highest among the groups gnomAD compares: East Asian, 0.045%; no homozygotes.

Submissions (7):

Women's Health and Genetics/Laboratory Corporation of America, LabCorp
Classification: Likely benign. Last evaluated: 2025-12-22. Review status: criteria provided, single submitter. Criteria: LabCorp Variant Classification Summary - May 2015. Collection method: clinical testing. Allele origin: germline.

Labcorp Genetics (formerly Invitae), Labcorp
Classification: Likely benign for Catecholaminergic polymorphic ventricular tachycardia 1. Last evaluated: 2025-10-29. Review status: criteria provided, single submitter. Criteria: Invitae Variant Classification Sherloc (09022015). Collection method: clinical testing. Allele origin: germline.

All of Us Research Program, National Institutes of Health
Classification: Likely benign for Catecholaminergic polymorphic ventricular tachycardia. Last evaluated: 2024-01-08. Review status: criteria provided, single submitter. Criteria: ACMG Guidelines, 2015. Collection method: clinical testing. Allele origin: germline. Inheritance: Autosomal dominant inheritance. Observed: 8 variant alleles, 8 heterozygotes.
Comment: This study involves interpretation of variants in research participants for the purpose of population health screening. Participant phenotype was not available at the time of variant classification. Additional details can be found in publication PMID: 35346344, PMCID: PMC8962531

Ambry Genetics
Classification: Likely benign for Cardiovascular phenotype. Last evaluated: 2023-09-21. Review status: criteria provided, single submitter. Criteria: Ambry Variant Classification Scheme 2023. Collection method: clinical testing. Allele origin: germline.

Color Diagnostics, LLC DBA Color Health
Classification: Likely benign for Cardiomyopathy. Last evaluated: 2018-06-25. Review status: criteria provided, single submitter. Criteria: ACMG Guidelines, 2015. Collection method: clinical testing. Allele origin: germline.

Laboratory for Molecular Medicine, Mass General Brigham Personalized Medicine
Classification: Likely benign. Last evaluated: 2015-06-30. Review status: criteria provided, single submitter. Criteria: LMM Criteria. Collection method: clinical testing. Allele origin: germline. Observed: 1 variant allele.
Comment: p.Ser3349Ser in exon 69 of RYR2: This variant is not expected to have clinical s ignificance because it does not alter an amino acid residue and is not located w ithin the splice consensus sequence. It has been identified in 4/8438 East Asian chromosomes by the Exome Aggregation Consortium (ExAC; dbSNP rs144428932).

PreventionGenetics, part of Exact Sciences
Classification: Likely benign for RYR2-related condition. Last evaluated: 2020-12-16. Review status: no assertion criteria provided. Collection method: clinical testing. Allele origin: germline. Not counted in ClinVar's aggregate classification.
Comment: This variant is classified as likely benign based on ACMG/AMP sequence variant interpretation guidelines (Richards et al. 2015 PMID: 25741868, with internal and published modifications).